The following is an entry in ClinVar:

NM_012470.4(TNPO3):c.2661C>T (p.Ala887=)

Gene: TNPO3 (transportin 3; minus strand). Cytogenetic location: 7q32.1.
Variant type: single nucleotide variant.
Coding change: c.2661C>T on transcript NM_012470.4 (MANE Select); coding-DNA position 2661, C replaced by T.
Protein change: p.Ala887=; no amino-acid change (alanine 887 retained).
Molecular consequence: synonymous variant. On other transcripts: non-coding transcript variant (18).
Genome position (GRCh38, 1-based): chr7:128,967,330, G>A on the plus strand (C>T on the coding strand, the complement: TNPO3 is on the minus strand). VCF-style: chr7-128967330-G-A. GRCh37 (hg19) VCF-style: chr7-128607384-G-A.
Other names: p.Ala887=; c.2469C>T, p.Ala823= (NM_001191028.3, NM_001382223.1); c.2763C>T, p.Ala921= (NM_001382216.1); c.2742C>T, p.Ala914= (NM_001382217.1); c.2661C>T, p.Ala887= (NM_001382218.1); c.2553C>T, p.Ala851= (NM_001382219.1); c.2520C>T, p.Ala840= (NM_001382220.1); c.2517C>T, p.Ala839= (NM_001382221.1); and 1 more.
Identifiers: ClinVar variation 260265 (VCV000260265.15), dbSNP rs8043, ClinGen allele CA4477815.

ClinVar aggregate classification (germline): Benign. Review status: criteria provided, multiple submitters, no conflicts (2 of 4 stars). 6 submissions from 6 submitters: Benign (6). Last evaluated 2026-02-04.

Conditions:
Autosomal dominant limb-girdle muscular dystrophy type 1F (LGMDD2). Also called: Limb-girdle muscular dystrophy, type 1F; MUSCULAR DYSTROPHY, LIMB-GIRDLE, AUTOSOMAL DOMINANT 2. Identifiers: Orphanet 55595, MedGen C1842062, MONDO:0012034, OMIM 608423.

Allele frequency attached by ClinVar (database versions not stated): 1000 Genomes Project 0.47684; ExAC 0.47790; ESP Exome Variant Server 0.51061; gnomAD exomes 0.49548 and 0.47052; TOPMed 0.48442; gnomAD 0.48774 and 0.49045; 1000 Genomes Project 30x 0.47142.
gnomAD v4.1: 797,717 of 1,611,936 alleles (49%); highest among the groups gnomAD compares: Non-Finnish European, 50%; 199,421 homozygotes.

Submissions (6):

Labcorp Genetics (formerly Invitae), Labcorp
Classification: Benign for Autosomal dominant limb-girdle muscular dystrophy type 1F. Last evaluated: 2026-02-04. Review status: criteria provided, single submitter. Criteria: Invitae Variant Classification Sherloc (09022015). Collection method: clinical testing. Allele origin: germline.

Genome-Nilou Lab
Classification: Benign for Autosomal dominant limb-girdle muscular dystrophy type 1F. Last evaluated: 2021-09-10. Review status: criteria provided, single submitter. Criteria: ACMG Guidelines, 2015. Collection method: clinical testing. Allele origin: germline. Affected: no.

Mayo Clinic Laboratories, Mayo Clinic
Classification: Benign. Last evaluated: 2017-07-24. Review status: criteria provided, single submitter. Criteria: ACMG Guidelines, 2015. Collection method: clinical testing. Allele origin: germline. Observed: 540 variant alleles.

GeneDx
Classification: Benign. Last evaluated: 2016-01-07. Review status: criteria provided, single submitter. Criteria: GeneDx Variant Classification (06012015). Collection method: clinical testing. Allele origin: germline. Affected: yes.
Comment: This variant is considered likely benign or benign based on one or more of the following criteria: it is a conservative change, it occurs at a poorly conserved position in the protein, it is predicted to be benign by multiple in silico algorithms, and/or has population frequency not consistent with disease.

Breakthrough Genomics
Classification: Benign. Review status: criteria provided, single submitter. Criteria: ACMG Guidelines, 2015. Collection method: not provided. Allele origin: germline. Inheritance: Autosomal dominant inheritance. Affected: yes.

PreventionGenetics, part of Exact Sciences
Classification: Benign. Review status: criteria provided, single submitter. Criteria: ACMG Guidelines, 2015. Collection method: clinical testing. Allele origin: germline.